The following is an entry in ClinVar:

NC_000005.9:g.(?_179220638)_(179263593_?)dup

Genes: LTC4S (leukotriene C4 synthase; plus strand), MGAT4B (alpha-1,3-mannosyl-glycoprotein 4-beta-N-acetylglucosaminyltransferase B; minus strand), SQSTM1 (sequestosome 1; plus strand). Cytogenetic location: 5q35.3.
Variant type: Duplication.
Identifiers: ClinVar variation 3246409 (VCV003246409.1).

ClinVar aggregate classification (germline): Uncertain significance (1 of 4 stars; one submission).

Conditions:
Frontotemporal dementia and/or amyotrophic lateral sclerosis 1 (FTDALS1). Also called: Frontotemporal dementia with motor neuron disease 1; C9orf72 Frontotemporal Dementia and/or Amyotrophic Lateral Sclerosis. Identifiers: Orphanet 275872, MedGen C5779877, MONDO:0007105, OMIM 105550.
Paget disease of bone 2, early-onset (PDB2). Also called: Paget disease of bone 2. Identifiers: MedGen C4085251, MONDO:0011183, OMIM 602080.

Submission:

Labcorp Genetics (formerly Invitae), Labcorp
Classification: Uncertain significance for Paget disease of bone 2, early-onset; Frontotemporal dementia and/or amyotrophic lateral sclerosis 1. Last evaluated: 2024-01-04. Review status: criteria provided, single submitter. Criteria: Invitae Variant Classification Sherloc (09022015). Collection method: clinical testing. Allele origin: unknown.
Comment: A copy number gain of the genomic region encompassing the full coding sequence of the SQSTM1 gene has been identified. The boundaries of this event are unknown as they extend beyond the assayed region for this gene and therefore may encompass additional genes. As the precise location of this event is unknown, it may be in tandem or it may be located elsewhere in the genome. Isolated whole-gene copy number gains of SQSTM1 have not been reported in the literature. However, larger copy number events that include this gene have been reported (PMID: 26925868). In summary, the available evidence is currently insufficient to determine the role of this variant in disease. Therefore, it has been classified as a Variant of Uncertain Significance.

Literature cited by the submitters: PubMed 26925868.